The following is an entry in ClinVar:

NM_001376.5(DYNC1H1):c.1847T>C (p.Ile616Thr)

Gene: DYNC1H1 (dynein cytoplasmic 1 heavy chain 1; plus strand). Cytogenetic location: 14q32.31.
Variant type: single nucleotide variant.
Coding change: c.1847T>C on transcript NM_001376.5 (MANE Select); coding-DNA position 1847, T replaced by C.
Protein change: p.Ile616Thr; replaces isoleucine 616 with threonine.
Molecular consequence: missense variant.
Genome position (GRCh38, 1-based): chr14:101,986,072, T>C. VCF-style: chr14-101986072-T-C. GRCh37 (hg19) VCF-style: chr14-102452409-T-C.
Other names: short protein forms I616T.
Identifiers: ClinVar variation 1473043 (VCV001473043.9), dbSNP rs1002760127, ClinGen allele CA266980644.

ClinVar aggregate classification (germline): Uncertain significance. Review status: criteria provided, multiple submitters, no conflicts (2 of 4 stars). 2 submissions from 2 submitters: Uncertain significance (2). Last evaluated 2023-07-10.

Conditions:
Charcot-Marie-Tooth disease axonal type 2O. Also called: Charcot-Marie-Tooth Neuropathy Type 2O; Charcot-Marie-Tooth disease, axonal, type 20; CHARCOT-MARIE-TOOTH NEUROPATHY, AXONAL, TYPE 2O; CHARCOT-MARIE-TOOTH DISEASE, AXONAL, AUTOSOMAL DOMINANT, TYPE 2O. Identifiers: Orphanet 284232, MedGen C3280220, MONDO:0013644, OMIM 614228.

Allele frequency attached by ClinVar (database versions not stated): TOPMed below 0.00001; gnomAD 0.00001; gnomAD exomes 0.00001.
gnomAD v4.1: 10 of 1,614,092 alleles (0.00062%); highest among the groups gnomAD compares: Non-Finnish European, 0.00085%; no homozygotes.

Submissions (2):

Labcorp Genetics (formerly Invitae), Labcorp
Classification: Uncertain significance for Charcot-Marie-Tooth disease axonal type 2O. Last evaluated: 2023-07-10. Review status: criteria provided, single submitter. Criteria: Invitae Variant Classification Sherloc (09022015). Collection method: clinical testing. Allele origin: germline.
Comment: ClinVar contains an entry for this variant (Variation ID: 1473043). In summary, the available evidence is currently insufficient to determine the role of this variant in disease. Therefore, it has been classified as a Variant of Uncertain Significance. Advanced modeling of protein sequence and biophysical properties (such as structural, functional, and spatial information, amino acid conservation, physicochemical variation, residue mobility, and thermodynamic stability) performed at Invitae indicates that this missense variant is expected to disrupt DYNC1H1 protein function. This variant has not been reported in the literature in individuals affected with DYNC1H1-related conditions. This variant is not present in population databases (gnomAD no frequency). This sequence change replaces isoleucine, which is neutral and non-polar, with threonine, which is neutral and polar, at codon 616 of the DYNC1H1 protein (p.Ile616Thr).

Blueprint Genetics
Classification: Uncertain significance. Last evaluated: 2021-10-06. Review status: criteria provided, single submitter. Criteria: ACMG Guidelines, 2015. Collection method: clinical testing. Allele origin: germline.